The following is an entry in ClinVar:

ClinVar aggregate classification (germline): Uncertain significance (1 of 4 stars; one submission).

Conditions:
Charcot-Marie-Tooth disease type 4. Also called: Charcot-Marie-Tooth disease, type IV; Charcot-Marie-Tooth, Type 4. Identifiers: Orphanet 64749, MedGen C4082197, MONDO:0018995.

Allele frequency attached by ClinVar (database versions not stated): gnomAD 0.00010; ESP Exome Variant Server 0.00008; gnomAD exomes below 0.00001; TOPMed 0.00006; ExAC 0.00001.
gnomAD v4.1: 39 of 1,614,084 alleles (0.0024%); highest among the groups gnomAD compares: Non-Finnish European, 0.0033%; no homozygotes.

Submission:

Labcorp Genetics (formerly Invitae), Labcorp
Classification: Uncertain significance for Charcot-Marie-Tooth disease type 4. Last evaluated: 2022-08-31. Review status: criteria provided, single submitter. Criteria: Invitae Variant Classification Sherloc (09022015). Collection method: clinical testing. Allele origin: germline.
Comment: This sequence change replaces glutamic acid, which is acidic and polar, with lysine, which is basic and polar, at codon 1005 of the SH3TC2 protein (p.Glu1005Lys). This variant is present in population databases (rs147895061, gnomAD 0.002%). This variant has not been reported in the literature in individuals affected with SH3TC2-related conditions. ClinVar contains an entry for this variant (Variation ID: 657683). Advanced modeling of protein sequence and biophysical properties (such as structural, functional, and spatial information, amino acid conservation, physicochemical variation, residue mobility, and thermodynamic stability) performed at Invitae indicates that this missense variant is not expected to disrupt SH3TC2 protein function. In summary, the available evidence is currently insufficient to determine the role of this variant in disease. Therefore, it has been classified as a Variant of Uncertain Significance.

NM_024577.4(SH3TC2):c.3013G>A (p.Glu1005Lys)

Gene: SH3TC2 (SH3 domain and tetratricopeptide repeats 2; minus strand). Cytogenetic location: 5q32.
Variant type: single nucleotide variant.
Coding change: c.3013G>A on transcript NM_024577.4 (MANE Select); coding-DNA position 3013, G replaced by A.
Protein change: p.Glu1005Lys; replaces glutamic acid 1005 with lysine.
Molecular consequence: missense variant.
Genome position (GRCh38, 1-based): chr5:149,026,612, C>T on the plus strand (G>A on the coding strand, the complement: SH3TC2 is on the minus strand). VCF-style: chr5-149026612-C-T. GRCh37 (hg19) VCF-style: chr5-148406175-C-T.
Other names: short protein forms E1005K.
Identifiers: ClinVar variation 657683 (VCV000657683.8), dbSNP rs147895061, ClinGen allele CA3498877.
Genomic context (GRCh38, chr5:149,026,612, plus strand): 5'-AGTTCCTGACCCTGACTCACCTGGCGGTATTTAGGTTCCGATAAAGCTGCCCCAGGGACT[C>T]CAGCAGCCTCCCTTCCATCTCCCGGTCCCTGAGTTGCTGAGCCAGGGCCAGCCAGTGCTC-3'
Protein context (NP_078853.2, residues 995-1015): RDREMEGRLL[Glu1005Lys]SLGQLYRNLN